The following is an entry in ClinVar:

ClinVar aggregate classification (germline): Uncertain significance (1 of 4 stars; one submission).

Conditions:
Primary ciliary dyskinesia. Also called: Ciliary dyskinesia. Identifiers: Orphanet 244, MedGen C0008780, MONDO:0016575, HP:0012265.

gnomAD v4.1: 11 of 1,345,416 alleles (0.00082%); highest among the groups gnomAD compares: South Asian, 0.0085%; no homozygotes.

Submission:

Labcorp Genetics (formerly Invitae), Labcorp
Classification: Uncertain significance for Primary ciliary dyskinesia. Last evaluated: 2024-05-23. Review status: criteria provided, single submitter. Criteria: Invitae Variant Classification Sherloc (09022015). Collection method: clinical testing. Allele origin: germline.
Comment: This sequence change replaces alanine, which is neutral and non-polar, with threonine, which is neutral and polar, at codon 63 of the DNAAF5 protein (p.Ala63Thr). The frequency data for this variant in the population databases is considered unreliable, as metrics indicate poor data quality at this position in the gnomAD database. This variant has not been reported in the literature in individuals affected with DNAAF5-related conditions. An algorithm developed to predict the effect of missense changes on protein structure and function (PolyPhen-2) suggests that this variant is likely to be tolerated. In summary, the available evidence is currently insufficient to determine the role of this variant in disease. Therefore, it has been classified as a Variant of Uncertain Significance.

NM_017802.4(DNAAF5):c.187G>A (p.Ala63Thr)

Genes: DNAAF5 (dynein axonemal assembly factor 5; plus strand), PRKAR1B (protein kinase cAMP-dependent type I regulatory subunit beta; minus strand), LOC129997730 (ATAC-STARR-seq lymphoblastoid silent region 17816; plus strand). Cytogenetic location: 7p22.3.
Variant type: single nucleotide variant.
Coding change: c.187G>A on transcript NM_017802.4 (MANE Select); coding-DNA position 187, G replaced by A.
Protein change: p.Ala63Thr; replaces alanine 63 with threonine.
Molecular consequence: missense variant. On other transcripts: non-coding transcript variant (1), intron variant (3).
Genome position (GRCh38, 1-based): chr7:726,907, G>A. VCF-style: chr7-726907-G-A. GRCh37 (hg19) VCF-style: chr7-766544-G-A.
Other names: c.-23+748C>T (NM_001164759.1); c.-23+683C>T (NM_001164758.2); c.-23+303C>T (NM_001164760.2); short protein forms A63T.
Identifiers: ClinVar variation 3715759 (VCV003715759.2).